The following is an entry in ClinVar:

ClinVar aggregate classification (germline): Uncertain significance. Review status: criteria provided, multiple submitters, no conflicts (2 of 4 stars). 2 submissions from 2 submitters: Uncertain significance (2). Last evaluated 2025-05-01.

Conditions:
Inborn genetic diseases. Identifiers: MedGen C0950123, MeSH D030342.

Allele frequency attached by ClinVar (database versions not stated): ExAC 0.00002; gnomAD exomes 0.00002; gnomAD 0.00003; TOPMed 0.00003.
gnomAD v4.1: 34 of 1,614,116 alleles (0.0021%); highest among the groups gnomAD compares: African/African-American, 0.011%; no homozygotes.

Submissions (2):

Ambry Genetics
Classification: Uncertain significance for Inborn genetic diseases. Last evaluated: 2025-05-01. Review status: criteria provided, single submitter. Criteria: Ambry Variant Classification Scheme 2023. Collection method: clinical testing. Allele origin: germline.

Labcorp Genetics (formerly Invitae), Labcorp
Classification: Uncertain significance. Last evaluated: 2024-03-20. Review status: criteria provided, single submitter. Criteria: Invitae Variant Classification Sherloc (09022015). Collection method: clinical testing. Allele origin: germline.
Comment: This sequence change replaces threonine, which is neutral and polar, with methionine, which is neutral and non-polar, at codon 809 of the FAN1 protein (p.Thr809Met). This variant is present in population databases (rs779331680, gnomAD 0.02%). This variant has not been reported in the literature in individuals affected with FAN1-related conditions. Algorithms developed to predict the effect of missense changes on protein structure and function output the following: SIFT: "Not Available"; PolyPhen-2: "Benign"; Align-GVGD: "Not Available". The methionine amino acid residue is found in multiple mammalian species, which suggests that this missense change does not adversely affect protein function. In summary, the available evidence is currently insufficient to determine the role of this variant in disease. Therefore, it has been classified as a Variant of Uncertain Significance.

NM_014967.5(FAN1):c.2426C>T (p.Thr809Met)

Genes: FAN1 (FANCD2 and FANCI associated nuclease 1; plus strand), MTMR10 (myotubularin related protein 10; minus strand). Cytogenetic location: 15q13.3.
Variant type: single nucleotide variant.
Coding change: c.2426C>T on transcript NM_014967.5 (MANE Select); coding-DNA position 2426, C replaced by T.
Protein change: p.Thr809Met; replaces threonine 809 with methionine.
Molecular consequence: missense variant.
Genome position (GRCh38, 1-based): chr15:30,925,877, C>T. VCF-style: chr15-30925877-C-T. GRCh37 (hg19) VCF-style: chr15-31218080-C-T.
Other names: c.2426C>T (NM_014967.4); short protein forms T809M.
Identifiers: ClinVar variation 2895270 (VCV002895270.4), dbSNP rs779331680, ClinGen allele CA7450612.